The following is an entry in ClinVar:

NM_003072.5(SMARCA4):c.2123+6G>A

Gene: SMARCA4 (SWI/SNF related BAF chromatin remodeling complex subunit ATPase 4; plus strand). Cytogenetic location: 19p13.2.
Variant type: single nucleotide variant.
Coding change: c.2123+6G>A on transcript NM_003072.5 (MANE Select); 6 bases into the intron after coding-DNA position 2123, G replaced by A.
Molecular consequence: intron variant.
Genome position (GRCh38, 1-based): chr19:11,008,029, G>A. VCF-style: chr19-11008029-G-A. GRCh37 (hg19) VCF-style: chr19-11118705-G-A.
Other names: c.2123+6G>A (NM_001128844.3, NM_001128849.3, NM_001128847.4 and 6 more transcripts).
Identifiers: ClinVar variation 4730617 (VCV004730617.1).

ClinVar aggregate classification (germline): Uncertain significance (1 of 4 stars; one submission).

Conditions:
Rhabdoid tumor predisposition syndrome 2 (RTPS2). Identifiers: Orphanet 231108, Orphanet 69077, MedGen C2750074, MONDO:0013224, OMIM 613325.

Submission:

Labcorp Genetics (formerly Invitae), Labcorp
Classification: Uncertain significance for Rhabdoid tumor predisposition syndrome 2. Last evaluated: 2025-11-05. Review status: criteria provided, single submitter. Criteria: Invitae Variant Classification Sherloc (09022015). Collection method: clinical testing. Allele origin: germline.
Comment: This sequence change falls in intron 14 of the SMARCA4 gene. It does not directly change the encoded amino acid sequence of the SMARCA4 protein. It affects a nucleotide within the consensus splice site. This variant is not present in population databases (gnomAD no frequency). This variant has not been reported in the literature in individuals affected with SMARCA4-related conditions. Variants that disrupt the consensus splice site are a relatively common cause of aberrant splicing (PMID: 17576681, 9536098). Algorithms developed to predict the effect of sequence changes on RNA splicing suggest that this variant is not likely to affect RNA splicing. In summary, the available evidence is currently insufficient to determine the role of this variant in disease. Therefore, it has been classified as a Variant of Uncertain Significance.

Literature cited by the submitters: PubMed 17576681; PubMed 9536098.